The following is an entry in ClinVar:

NM_006648.4(WNK2):c.6494C>G (p.Ala2165Gly)

Gene: WNK2 (WNK lysine deficient protein kinase 2; plus strand). Cytogenetic location: 9q22.31.
Variant type: single nucleotide variant.
Coding change: c.6494C>G on transcript NM_006648.4 (MANE Select); coding-DNA position 6494, C replaced by G.
Protein change: p.Ala2165Gly; replaces alanine 2165 with glycine.
Molecular consequence: missense variant.
Genome position (GRCh38, 1-based): chr9:93,308,562, C>G. VCF-style: chr9-93308562-C-G. GRCh37 (hg19) VCF-style: chr9-96070844-C-G.
Other names: c.6605C>G, p.Ala2202Gly (NM_001282394.3); short protein forms A2202G, A2165G.
Identifiers: ClinVar variation 3470181 (VCV003470181.1).

ClinVar aggregate classification (germline): Uncertain significance (1 of 4 stars; one submission).

gnomAD v4.1: 22 of 1,579,656 alleles (0.0014%); highest among the groups gnomAD compares: Admixed American, 0.03%; no homozygotes.

Submission:

Ambry Genetics
Classification: Uncertain significance. Last evaluated: 2024-11-18. Review status: criteria provided, single submitter. Criteria: Ambry Variant Classification Scheme 2023. Collection method: clinical testing. Allele origin: germline.
Comment: The p.A2165G variant (also known as c.6494C>G), located in coding exon 27 of the WNK2 gene, results from a C to G substitution at nucleotide position 6494. The alanine at codon 2165 is replaced by glycine, an amino acid with similar properties. This amino acid position is conserved. In addition, this alteration is predicted to be tolerated by in silico analysis. Based on the available evidence, the clinical significance of this variant remains unclear.